The following is an entry in ClinVar:

ClinVar aggregate classification (germline): Likely pathogenic (1 of 4 stars; one submission).

Conditions:
Early-infantile DEE. Also called: Early infantile epileptic encephalopathy with suppression bursts; Early infantile epileptic encephalopathy; Ohtahara syndrome. Identifiers: Orphanet 1934, MedGen C0393706, MONDO:0800491.

Submission:

Labcorp Genetics (formerly Invitae), Labcorp
Classification: Likely pathogenic for Early-infantile DEE. Last evaluated: 2023-04-06. Review status: criteria provided, single submitter. Criteria: Invitae Variant Classification Sherloc (09022015). Collection method: clinical testing. Allele origin: germline.
Comment: This sequence change replaces arginine, which is basic and polar, with leucine, which is neutral and non-polar, at codon 1657 of the SCN1A protein (p.Arg1657Leu). This variant is not present in population databases (gnomAD no frequency). This variant has not been reported in the literature in individuals affected with SCN1A-related conditions. Advanced modeling of protein sequence and biophysical properties (such as structural, functional, and spatial information, amino acid conservation, physicochemical variation, residue mobility, and thermodynamic stability) performed at Invitae indicates that this missense variant is expected to disrupt SCN1A protein function. This variant disrupts the p.Arg1657 amino acid residue in SCN1A. Other variant(s) that disrupt this residue have been determined to be pathogenic (PMID: 14672992, 17347258, 32581362). This suggests that this residue is clinically significant, and that variants that disrupt this residue are likely to be disease-causing. In summary, the currently available evidence indicates that the variant is pathogenic, but additional data are needed to prove that conclusively. Therefore, this variant has been classified as Likely Pathogenic.

Literature cited by the submitters: PubMed 14672992; PubMed 17347258; PubMed 32581362.

NM_001165963.4(SCN1A):c.4970G>T (p.Arg1657Leu)

Genes: SCN1A (sodium voltage-gated channel alpha subunit 1; minus strand), LOC102724058 (uncharacterized LOC102724058; plus strand). Cytogenetic location: 2q24.3.
Variant type: single nucleotide variant.
Coding change: c.4970G>T on transcript NM_001165963.4 (MANE Select); coding-DNA position 4970, G replaced by T.
Protein change: p.Arg1657Leu; replaces arginine 1657 with leucine.
Molecular consequence: missense variant. On other transcripts: non-coding transcript variant (1).
Genome position (GRCh38, 1-based): chr2:165,992,305, C>A on the plus strand (G>T on the coding strand, the complement: SCN1A is on the minus strand). VCF-style: chr2-165992305-C-A. GRCh37 (hg19) VCF-style: chr2-166848815-C-A.
Other names: c.4886G>T, p.Arg1629Leu (NM_001353957.2, NM_001353958.2, NM_001165964.3); c.4883G>T, p.Arg1628Leu (NM_001353960.2); c.2528G>T, p.Arg843Leu (NM_001353961.2); c.4937G>T, p.Arg1646Leu (NM_006920.6, NM_001353952.2, NM_001353949.2 and 2 more transcripts); c.4934G>T, p.Arg1645Leu (NM_001353954.2, NM_001353955.2); c.4970G>T, p.Arg1657Leu (NM_001202435.3, NM_001353948.2); short protein forms R1628L, R843L, R1646L, R1657L, R1629L, R1645L.
Identifiers: ClinVar variation 2718059 (VCV002718059.3), dbSNP rs121917994, ClinGen allele CA349069946.